The following is an entry in ClinVar:

ClinVar aggregate classification (germline): Benign (1 of 4 stars; one submission).

Conditions:
Ichthyosis bullosa of Siemens (IBS). Also called: Superficial epidermolytic ichthyosis. Identifiers: Orphanet 455, MedGen C0432306, MONDO:0007813, OMIM 146800.

Allele frequency attached by ClinVar (database versions not stated): gnomAD exomes 0.01105; gnomAD 0.01383 and 0.01464; TOPMed 0.02012; 1000 Genomes Project 30x 0.03420; 1000 Genomes Project 0.03574.
gnomAD v4.1: 2,701 of 196,636 alleles (1.4%); highest among the groups gnomAD compares: East Asian, 10%; 82 homozygotes.

Submission:

Illumina Laboratory Services, Illumina
Classification: Benign for Ichthyosis bullosa of Siemens. Last evaluated: 2018-01-13. Review status: criteria provided, single submitter. Criteria: ICSL Variant Classification Criteria 13 December 2019. Collection method: clinical testing. Allele origin: germline.
Comment: This variant was observed in the ICSL laboratory as part of a predisposition screen in an ostensibly healthy population. It had not been previously curated by ICSL or reported in the Human Gene Mutation Database (HGMD: prior to June 1st, 2018), and was therefore a candidate for classification through an automated scoring system. Utilizing variant allele frequency, disease prevalence and penetrance estimates, and inheritance mode, an automated score was calculated to assess if this variant is too frequent to cause the disease. Based on the score and internal cut-off values, a variant classified as benign is not then subjected to further curation. The score for this variant resulted in a classification of benign for this disease.

NM_000423.3(KRT2):c.*447C>T

Gene: KRT2 (keratin 2; minus strand). Cytogenetic location: 12q13.13.
Variant type: single nucleotide variant.
Coding change: c.*447C>T on transcript NM_000423.3 (MANE Select); 447 bases downstream of the stop codon, C replaced by T.
Molecular consequence: 3 prime UTR variant.
Genome position (GRCh38, 1-based): chr12:52,644,572, G>A on the plus strand (C>T on the coding strand, the complement: KRT2 is on the minus strand). VCF-style: chr12-52644572-G-A. GRCh37 (hg19) VCF-style: chr12-53038356-G-A.
Identifiers: ClinVar variation 309582 (VCV000309582.5), dbSNP rs3825222, ClinGen allele CA10637987.